The following is an entry in ClinVar:

ClinVar aggregate classification (germline): Uncertain significance (1 of 4 stars; one submission).

gnomAD v4.1: 2 of 1,502,068 alleles (0.00013%); highest among the groups gnomAD compares: Non-Finnish European, 0.00019%; no homozygotes.

Submission:

Labcorp Genetics (formerly Invitae), Labcorp
Classification: Uncertain significance. Last evaluated: 2022-12-07. Review status: criteria provided, single submitter. Criteria: Invitae Variant Classification Sherloc (09022015). Collection method: clinical testing. Allele origin: germline.
Comment: This sequence change replaces leucine, which is neutral and non-polar, with phenylalanine, which is neutral and non-polar, at codon 184 of the ITM2B protein (p.Leu184Phe). This variant is not present in population databases (gnomAD no frequency). This variant has not been reported in the literature in individuals affected with ITM2B-related conditions. Advanced modeling of protein sequence and biophysical properties (such as structural, functional, and spatial information, amino acid conservation, physicochemical variation, residue mobility, and thermodynamic stability) performed at Invitae indicates that this missense variant is not expected to disrupt ITM2B protein function. In summary, the available evidence is currently insufficient to determine the role of this variant in disease. Therefore, it has been classified as a Variant of Uncertain Significance.

NM_021999.5(ITM2B):c.550C>T (p.Leu184Phe)

Gene: ITM2B (integral membrane protein 2B; plus strand). Cytogenetic location: 13q14.2.
Variant type: single nucleotide variant.
Coding change: c.550C>T on transcript NM_021999.5 (MANE Select); coding-DNA position 550, C replaced by T.
Protein change: p.Leu184Phe; replaces leucine 184 with phenylalanine.
Molecular consequence: missense variant.
Genome position (GRCh38, 1-based): chr13:48,258,222, C>T. VCF-style: chr13-48258222-C-T. GRCh37 (hg19) VCF-style: chr13-48832358-C-T.
Other names: short protein forms L184F.
Identifiers: ClinVar variation 2819300 (VCV002819300.3), dbSNP rs2542059812, ClinGen allele CA388251710.
Genomic context (GRCh38, chr13:48,258,222, plus strand): 5'-TGCTATGTGATCCCTCTGAACACTTCCATTGTTATGCCACCCAGAAACCTACTGGAGTTA[C>T]TTATTAACATCAAGGTATAAGAATGTTGACTGTTTTTGATGAATGATGCCTTCATAGTGT-3'
Protein context (NP_068839.1, residues 174-194): VMPPRNLLEL[Leu184Phe]INIKAGTYLP